The following is an entry in ClinVar:

ClinVar aggregate classification (germline): Uncertain significance. Review status: criteria provided, multiple submitters, no conflicts (2 of 4 stars). 2 submissions from 2 submitters: Uncertain significance (2). Last evaluated 2025-06-10.

Conditions:
Primary ciliary dyskinesia. Also called: Ciliary dyskinesia. Identifiers: Orphanet 244, MedGen C0008780, MONDO:0016575, HP:0012265.

gnomAD v4.1: 5 of 1,613,776 alleles (0.00031%); highest among the groups gnomAD compares: Admixed American, 0.0083%; no homozygotes.

Submissions (2):

Ambry Genetics
Classification: Uncertain significance for Primary ciliary dyskinesia. Last evaluated: 2025-06-10. Review status: criteria provided, single submitter. Criteria: Ambry Variant Classification Scheme 2023. Collection method: clinical testing. Allele origin: germline.

Labcorp Genetics (formerly Invitae), Labcorp
Classification: Uncertain significance for Primary ciliary dyskinesia. Last evaluated: 2022-10-25. Review status: criteria provided, single submitter. Criteria: Invitae Variant Classification Sherloc (09022015). Collection method: clinical testing. Allele origin: germline.
Comment: This sequence change replaces aspartic acid, which is acidic and polar, with asparagine, which is neutral and polar, at codon 799 of the CCDC40 protein (p.Asp799Asn). In summary, the available evidence is currently insufficient to determine the role of this variant in disease. Therefore, it has been classified as a Variant of Uncertain Significance. Advanced modeling of protein sequence and biophysical properties (such as structural, functional, and spatial information, amino acid conservation, physicochemical variation, residue mobility, and thermodynamic stability) performed at Invitae indicates that this missense variant is not expected to disrupt CCDC40 protein function. ClinVar contains an entry for this variant (Variation ID: 1475722). This variant has not been reported in the literature in individuals affected with CCDC40-related conditions. This variant is present in population databases (no rsID available, gnomAD 0.009%).

NM_017950.4(CCDC40):c.2395G>A (p.Asp799Asn)

Gene: CCDC40 (coiled-coil domain 40 molecular ruler complex subunit; plus strand). Cytogenetic location: 17q25.3.
Variant type: single nucleotide variant.
Coding change: c.2395G>A on transcript NM_017950.4 (MANE Select); coding-DNA position 2395, G replaced by A.
Protein change: p.Asp799Asn; replaces aspartic acid 799 with asparagine.
Molecular consequence: missense variant.
Genome position (GRCh38, 1-based): chr17:80,086,162, G>A. VCF-style: chr17-80086162-G-A. GRCh37 (hg19) VCF-style: chr17-78059961-G-A.
Other names: c.2395G>A (NM_017950.3); c.2395G>A, p.Asp799Asn (NM_001243342.2); short protein forms D799N.
Identifiers: ClinVar variation 1475722 (VCV001475722.9), dbSNP rs757730799, ClinGen allele CA294866550.
Genomic context (GRCh38, chr17:80,086,162, plus strand): 5'-CGCCTGCAGCAGGAGATGGTCAAGGTGACACAGGAGCAGGAGGAGCAGCTGGCCTCCCTG[G>A]ACGCATCCAAGAAGGAGCTCCACATCATGGAGCAGAAGAAACTACGAGTAGAAAGTAAGA-3'
Protein context (NP_060420.2, residues 789-809): QEQEEQLASL[Asp799Asn]ASKKELHIME